The following is an entry in ClinVar:

ClinVar aggregate classification (germline): Uncertain significance (1 of 4 stars; one submission).

Conditions:
Diffuse cerebral and cerebellar atrophy - intractable seizures - progressive microcephaly syndrome. Also called: Microcephaly, progressive, with seizures and cerebral and cerebellar atrophy. Identifiers: Orphanet 404437, MedGen C4014239, MONDO:0014335, OMIM 615760.

gnomAD v4.1: 2 of 1,614,208 alleles (0.00012%); highest among the groups gnomAD compares: South Asian, 0.0011%; no homozygotes.

Submission:

Labcorp Genetics (formerly Invitae), Labcorp
Classification: Uncertain significance for Diffuse cerebral and cerebellar atrophy - intractable seizures - progressive microcephaly syndrome. Last evaluated: 2022-02-25. Review status: criteria provided, single submitter. Criteria: Invitae Variant Classification Sherloc (09022015). Collection method: clinical testing. Allele origin: germline.
Comment: In summary, the available evidence is currently insufficient to determine the role of this variant in disease. Therefore, it has been classified as a Variant of Uncertain Significance. Algorithms developed to predict the effect of missense changes on protein structure and function are either unavailable or do not agree on the potential impact of this missense change (SIFT: "Deleterious"; PolyPhen-2: "Benign"; Align-GVGD: "Class C35"). This variant has not been reported in the literature in individuals affected with QARS-related conditions. This variant is present in population databases (no rsID available, gnomAD 0.003%). This sequence change replaces lysine, which is basic and polar, with asparagine, which is neutral and polar, at codon 740 of the QARS protein (p.Lys740Asn).

NM_005051.3(QARS1):c.2220G>C (p.Lys740Asn)

Gene: QARS1 (glutaminyl-tRNA synthetase 1; minus strand). Cytogenetic location: 3p21.31.
Variant type: single nucleotide variant.
Coding change: c.2220G>C on transcript NM_005051.3 (MANE Select); coding-DNA position 2220, G replaced by C.
Protein change: p.Lys740Asn; replaces lysine 740 with asparagine.
Molecular consequence: missense variant. On other transcripts: non-coding transcript variant (1).
Genome position (GRCh38, 1-based): chr3:49,098,049, C>G on the plus strand (G>C on the coding strand, the complement: QARS1 is on the minus strand). VCF-style: chr3-49098049-C-G. GRCh37 (hg19) VCF-style: chr3-49135482-C-G.
Other names: c.2187G>C, p.Lys729Asn (NM_001272073.2); short protein forms K740N, K729N.
Identifiers: ClinVar variation 2103505 (VCV002103505.4), dbSNP rs777452461, ClinGen allele CA352696974.